The following is an entry in ClinVar:

NM_170675.5(MEIS2):c.97A>G (p.Ile33Val)

Gene: MEIS2 (Meis homeobox 2; minus strand). Cytogenetic location: 15q14.
Variant type: single nucleotide variant.
Coding change: c.97A>G on transcript NM_170675.5 (MANE Select); coding-DNA position 97, A replaced by G.
Protein change: p.Ile33Val; replaces isoleucine 33 with valine.
Molecular consequence: missense variant. On other transcripts: 5 prime UTR variant (1), non-coding transcript variant (1).
Genome position (GRCh38, 1-based): chr15:37,098,115, T>C on the plus strand (A>G on the coding strand, the complement: MEIS2 is on the minus strand). VCF-style: chr15-37098115-T-C. GRCh37 (hg19) VCF-style: chr15-37390316-T-C.
Other names: c.97A>G, p.Ile33Val (NM_001220482.2, NM_170674.5, NM_170676.5 and 1 more transcripts); c.58A>G, p.Ile20Val (NM_002399.4, NM_172315.3); c.-145A>G (NM_172316.3); c.97A>G (NM_170675.3); short protein forms I20V, I33V.
Identifiers: ClinVar variation 851497 (VCV000851497.11), dbSNP rs774160502, ClinGen allele CA7469483.

ClinVar aggregate classification (germline): Uncertain significance. Review status: criteria provided, multiple submitters, no conflicts (2 of 4 stars). 2 submissions from 2 submitters: Uncertain significance (2). Last evaluated 2025-08-19.

Conditions:
Cardiac malformation, cleft lip/palate, microcephaly, and digital anomalies. Also called: CLEFT PALATE, CARDIAC DEFECTS, AND IMPAIRED INTELLECTUAL DEVELOPMENT. Identifiers: MedGen C1832950, MONDO:0010970, OMIM 600987.
Inborn genetic diseases. Identifiers: MedGen C0950123, MeSH D030342.

Allele frequency attached by ClinVar (database versions not stated): TOPMed 0.00002; ExAC 0.00003.
gnomAD v4.1: 3 of 1,613,254 alleles (0.00019%); highest among the groups gnomAD compares: Admixed American, 0.005%; no homozygotes.

Submissions (2):

Ambry Genetics
Classification: Uncertain significance for Inborn genetic diseases. Last evaluated: 2025-08-19. Review status: criteria provided, single submitter. Criteria: Ambry Variant Classification Scheme 2023. Collection method: clinical testing. Allele origin: germline.

Labcorp Genetics (formerly Invitae), Labcorp
Classification: Uncertain significance for Cardiac malformation, cleft lip/palate, microcephaly, and digital anomalies. Last evaluated: 2022-02-24. Review status: criteria provided, single submitter. Criteria: Invitae Variant Classification Sherloc (09022015). Collection method: clinical testing. Allele origin: germline.
Comment: This variant is present in population databases (rs774160502, gnomAD 0.009%). This sequence change replaces isoleucine, which is neutral and non-polar, with valine, which is neutral and non-polar, at codon 33 of the MEIS2 protein (p.Ile33Val). In summary, the available evidence is currently insufficient to determine the role of this variant in disease. Therefore, it has been classified as a Variant of Uncertain Significance. Algorithms developed to predict the effect of missense changes on protein structure and function (SIFT, PolyPhen-2, Align-GVGD) all suggest that this variant is likely to be tolerated. ClinVar contains an entry for this variant (Variation ID: 851497). This variant has not been reported in the literature in individuals affected with MEIS2-related conditions.